The following is an entry in ClinVar:

ClinVar aggregate classification (germline): Uncertain significance (1 of 4 stars; one submission).

Conditions:
Familial cancer of breast. Also called: BREAST CANCER, FAMILIAL; hereditary breast carcinoma; Hereditary breast cancer. Identifiers: Orphanet 227535, MedGen C0346153, MONDO:0016419, OMIM 114480. Disease mechanism: loss of function.

Submission:

Labcorp Genetics (formerly Invitae), Labcorp
Classification: Uncertain significance for Familial cancer of breast. Last evaluated: 2022-09-06. Review status: criteria provided, single submitter. Criteria: Invitae Variant Classification Sherloc (09022015). Collection method: clinical testing. Allele origin: germline.
Comment: This variant results in a copy number gain of the genomic region encompassing exon(s) 1-2 of the BARD1 gene. This region includes the initiator codon of the gene. This copy number gain extends beyond the assayed region for this gene and therefore may encompass additional genes. As the precise location of this event is unknown, it may be in tandem or it may be located elsewhere in the genome. This variant has not been reported in the literature in individuals affected with BARD1-related conditions. In summary, the available evidence is currently insufficient to determine the role of this variant in disease. Therefore, it has been classified as a Variant of Uncertain Significance.

NC_000002.11:g.(?_215661779)_(215674299_?)dup

Genes: BARD1 (BRCA1 associated RING domain 1; minus strand), LOC129935542 (ATAC-STARR-seq lymphoblastoid active region 17072; plus strand), LOC129935543 (ATAC-STARR-seq lymphoblastoid active region 17073; plus strand). Cytogenetic location: 2q35.
Variant type: Duplication.
Identifiers: ClinVar variation 460648 (VCV000460648.3).